The following is an entry in ClinVar:

ClinVar aggregate classification (germline): Uncertain significance (1 of 4 stars; one submission).

Conditions:
Autosomal dominant nonsyndromic hearing loss 65. Also called: Deafness, autosomal dominant 65; TBC1D24-Related Autosomal Dominant Nonsyndromic Hearing Loss (DFNA). Identifiers: Orphanet 90635, MedGen C3892048, MONDO:0014470, OMIM 616044.
Developmental and epileptic encephalopathy, 1 (DEE1). Also called: INFANTILE SPASM SYNDROME, X-LINKED 1; X-linked infantile spasms; West's syndrome; Tonic spasms with clustering, arrest of psychomotor development and hypsarrhythmia on EEG; X-Linked Infantile Spasm Syndrome; OHTAHARA SYNDROME, X-LINKED. Identifiers: MedGen C3463992, MONDO:0010632, OMIM 308350. Disease mechanism: loss of function.

Submission:

Labcorp Genetics (formerly Invitae), Labcorp
Classification: Uncertain significance for Developmental and epileptic encephalopathy, 1; Autosomal dominant nonsyndromic hearing loss 65. Last evaluated: 2024-02-05. Review status: criteria provided, single submitter. Criteria: Invitae Variant Classification Sherloc (09022015). Collection method: clinical testing. Allele origin: germline.
Comment: This sequence change replaces serine, which is neutral and polar, with tyrosine, which is neutral and polar, at codon 281 of the TBC1D24 protein (p.Ser281Tyr). This variant is not present in population databases (gnomAD no frequency). This missense change has been observed in individual(s) with autosomal recessive TBD1D24-related conditions (Invitae). In at least one individual the data is consistent with being in trans (on the opposite chromosome) from a pathogenic variant. Advanced modeling of protein sequence and biophysical properties (such as structural, functional, and spatial information, amino acid conservation, physicochemical variation, residue mobility, and thermodynamic stability) performed at Invitae indicates that this missense variant is not expected to disrupt TBC1D24 protein function with a negative predictive value of 80%. In summary, the available evidence is currently insufficient to determine the role of this variant in disease. Therefore, it has been classified as a Variant of Uncertain Significance.

NM_001199107.2(TBC1D24):c.842C>A (p.Ser281Tyr)

Gene: TBC1D24 (TBC1 domain family member 24; plus strand). Cytogenetic location: 16p13.3.
Variant type: single nucleotide variant.
Coding change: c.842C>A on transcript NM_001199107.2 (MANE Select); coding-DNA position 842, C replaced by A.
Protein change: p.Ser281Tyr; replaces serine 281 with tyrosine.
Molecular consequence: missense variant.
Genome position (GRCh38, 1-based): chr16:2,496,990, C>A. VCF-style: chr16-2496990-C-A. GRCh37 (hg19) VCF-style: chr16-2546991-C-A.
Other names: c.842C>A, p.Ser281Tyr (NM_020705.3); short protein forms S281Y.
Identifiers: ClinVar variation 2949593 (VCV002949593.3), dbSNP rs2065748911, ClinGen allele CA394377560.
Genomic context (GRCh38, chr16:2,496,990, plus strand): 5'-AGTCGGACAGCGTGAAGCAGGACATCCGCACGTTCGTCAGAGACATCGCGAAGACGGTGT[C>A]CCCTGAGAAGCTGCTGGAGAAAGCGTTCGCCATCCGCCTCTTCTCCCGCAAGGAGATCCA-3'
Protein context (NP_001186036.1, residues 271-291): TFVRDIAKTV[Ser281Tyr]PEKLLEKAFA